The following is an entry in ClinVar:

ClinVar aggregate classification (germline): Uncertain significance (1 of 4 stars; one submission).

Submission:

GeneDx
Classification: Uncertain significance. Last evaluated: 2026-02-10. Review status: criteria provided, single submitter. Criteria: GeneDx Variant Classification Process June 2021. Collection method: clinical testing. Allele origin: germline. Affected: yes.
Comment: Not observed at significant frequency in large population cohorts (gnomAD); In silico analysis supports that this missense variant has a deleterious effect on protein structure/function; Has not been previously published as pathogenic or benign to our knowledge

NM_001366145.2(TRPM3):c.1735G>A (p.Gly579Ser)

Gene: TRPM3 (transient receptor potential cation channel subfamily M member 3; minus strand). Cytogenetic location: 9q21.12.
Variant type: single nucleotide variant.
Coding change: c.1735G>A on transcript NM_001366145.2 (MANE Select); coding-DNA position 1735, G replaced by A.
Protein change: p.Gly579Ser; replaces glycine 579 with serine.
Molecular consequence: missense variant.
Genome position (GRCh38, 1-based): chr9:70,625,265, C>T on the plus strand (G>A on the coding strand, the complement: TRPM3 is on the minus strand). VCF-style: chr9-70625265-C-T. GRCh37 (hg19) VCF-style: chr9-73240181-C-T.
Other names: c.1699G>A, p.Gly567Ser (NM_001007471.4, NM_001366150.2, NM_001366151.2); c.1705G>A, p.Gly569Ser (NM_001366141.2, NM_001366143.2); c.1741G>A, p.Gly581Ser (NM_001366142.2); c.1735G>A, p.Gly579Ser (NM_001366146.2, NM_001366149.2); c.1810G>A, p.Gly604Ser (NM_001366147.2, NM_001366148.2, NM_001366152.2); c.1276G>A, p.Gly426Ser (NM_001366154.2, NM_024971.7, NM_206945.5); c.1240G>A, p.Gly414Ser (NM_020952.6, NM_206944.5); c.1315G>A, p.Gly439Ser (NM_206946.5, NM_206947.5); short protein forms G414S, G426S, G439S, G567S, G569S, G579S, G581S, G604S.
Identifiers: ClinVar variation 2442614 (VCV002442614.2), dbSNP rs2539511386, ClinGen allele CA373560605.